The following is an entry in ClinVar:

NM_007294.4(BRCA1):c.2660C>T (p.Ala887Val)

Gene: BRCA1 (BRCA1 DNA repair associated; minus strand). Cytogenetic location: 17q21.31.
Variant type: single nucleotide variant.
Coding change: c.2660C>T on transcript NM_007294.4 (MANE Select); coding-DNA position 2660, C replaced by T.
Protein change: p.Ala887Val; replaces alanine 887 with valine.
Molecular consequence: missense variant. On other transcripts: intron variant (137).
Genome position (GRCh38, 1-based): chr17:43,092,871, G>A on the plus strand (C>T on the coding strand, the complement: BRCA1 is on the minus strand). VCF-style: chr17-43092871-G-A. GRCh37 (hg19) VCF-style: chr17-41244888-G-A.
Other names: c.2447C>T, p.Ala816Val (NM_001407571.1, NM_001407853.1, NM_001407894.1 and 9 more transcripts); c.2660C>T, p.Ala887Val (NM_001407581.1, NM_001407582.1, NM_001407583.1 and 30 more transcripts); c.2657C>T, p.Ala886Val (NM_001407587.1, NM_001407590.1, NM_001407591.1 and 22 more transcripts); c.2651C>T, p.Ala884Val (NM_001407646.1, NM_001407647.1); c.2537C>T, p.Ala846Val (NM_001407648.1, NM_001407664.1, NM_001407665.1 and 19 more transcripts); c.2534C>T, p.Ala845Val (NM_001407649.1, NM_001407670.1, NM_001407671.1 and 11 more transcripts); c.2582C>T, p.Ala861Val (NM_001407653.1, NM_001407654.1, NM_001407655.1 and 4 more transcripts); c.2579C>T, p.Ala860Val (NM_001407659.1, NM_001407660.1, NM_001407661.1 and 1 more transcripts); and 41 more; short protein forms A760V, A776V, A799V, A816V, A846V, A860V, A886V, A887V.
Identifiers: ClinVar variation 3680717 (VCV003680717.3).
Genomic context (GRCh38, chr17:43,092,871, plus strand): 5'-TCCTTTTGTTCACATTCAAAAGTGACTTTTGGACTTTGTTTCTTTAAGGACCCAGAGTGG[G>A]CAGAGAATGTTGCACATTCCTCTTCTGCATTTCCTGGATTTGAAAACGGAGCAAATGACT-3'
Protein context (NP_009225.1, residues 877-897): NAEEECATFS[Ala887Val]HSGSLKKQSP

ClinVar aggregate classification (germline): Uncertain significance. Review status: criteria provided, multiple submitters, no conflicts (2 of 4 stars). 2 submissions from 2 submitters: Uncertain significance (2). Last evaluated 2025-04-24.

Conditions:
Hereditary cancer-predisposing syndrome. Also called: Neoplastic Syndromes, Hereditary; Tumor predisposition; Hereditary Cancer Syndrome; Hereditary neoplastic syndrome. Identifiers: Orphanet 140162, MedGen C0027672, MeSH D009386, MONDO:0015356.
Hereditary breast ovarian cancer syndrome. Also called: Hereditary breast and ovarian cancer syndrome (HBOC); BRCA1- and BRCA2-Associated Hereditary Breast and Ovarian Cancer; Hereditary breast and/or ovarian cancer syndrome; Hereditary breast and ovarian cancer; Breast and ovarian cancer; Hereditary breast and ovarian cancer syndrome. Identifiers: Orphanet 145, MedGen C0677776, MeSH D061325, MONDO:0003582. Disease mechanism: loss of function.

Submissions (2):

Ambry Genetics
Classification: Uncertain significance for Hereditary cancer-predisposing syndrome. Last evaluated: 2025-04-24. Review status: criteria provided, single submitter. Criteria: Ambry Variant Classification Scheme 2023. Collection method: clinical testing. Allele origin: germline.
Comment: The p.A887V variant (also known as c.2660C>T), located in coding exon 9 of the BRCA1 gene, results from a C to T substitution at nucleotide position 2660. The alanine at codon 887 is replaced by valine, an amino acid with similar properties. This amino acid position is not well conserved in available vertebrate species. In addition, the in silico prediction for this alteration is inconclusive. Based on the available evidence, the clinical significance of this variant remains unclear.

Labcorp Genetics (formerly Invitae), Labcorp
Classification: Uncertain significance for Hereditary breast ovarian cancer syndrome. Last evaluated: 2024-06-21. Review status: criteria provided, single submitter. Criteria: Invitae Variant Classification Sherloc (09022015). Collection method: clinical testing. Allele origin: germline.
Comment: This sequence change replaces alanine, which is neutral and non-polar, with valine, which is neutral and non-polar, at codon 887 of the BRCA1 protein (p.Ala887Val). This variant is not present in population databases (gnomAD no frequency). This variant has not been reported in the literature in individuals affected with BRCA1-related conditions. Advanced modeling of protein sequence and biophysical properties (such as structural, functional, and spatial information, amino acid conservation, physicochemical variation, residue mobility, and thermodynamic stability) performed at Invitae indicates that this missense variant is not expected to disrupt BRCA1 protein function with a negative predictive value of 95%. In summary, the available evidence is currently insufficient to determine the role of this variant in disease. Therefore, it has been classified as a Variant of Uncertain Significance.